The following is an entry in ClinVar:

ClinVar aggregate classification (germline): Uncertain significance. Review status: criteria provided, multiple submitters, no conflicts (2 of 4 stars). 2 submissions from 2 submitters: Uncertain significance (2). Last evaluated 2021-11-19.

Conditions:
Cardiovascular phenotype. Identifiers: MedGen CN230736.

Allele frequency attached by ClinVar (database versions not stated): gnomAD exomes below 0.00001; TOPMed 0.00001.
gnomAD v4.1: 4 of 1,614,106 alleles (0.00025%); highest among the groups gnomAD compares: South Asian, 0.0011%; no homozygotes.

Submissions (2):

Ambry Genetics
Classification: Uncertain significance for Cardiovascular phenotype. Last evaluated: 2021-11-19. Review status: criteria provided, single submitter. Criteria: Ambry Variant Classification Scheme 2023. Collection method: clinical testing. Allele origin: germline.
Comment: The p.E764K variant (also known as c.2290G>A), located in coding exon 18 of the JAG1 gene, results from a G to A substitution at nucleotide position 2290. The glutamic acid at codon 764 is replaced by lysine, an amino acid with similar properties. This amino acid position is conserved. In addition, the in silico prediction for this alteration is inconclusive. Since supporting evidence is limited at this time, the clinical significance of this alteration remains unclear.

Blueprint Genetics
Classification: Uncertain significance. Last evaluated: 2020-10-02. Review status: criteria provided, single submitter. Criteria: ACMG Guidelines, 2015. Collection method: clinical testing. Allele origin: germline.

NM_000214.3(JAG1):c.2290G>A (p.Glu764Lys)

Gene: JAG1 (jagged canonical Notch ligand 1; minus strand). Cytogenetic location: 20p12.2.
Variant type: single nucleotide variant.
Coding change: c.2290G>A on transcript NM_000214.3 (MANE Select); coding-DNA position 2290, G replaced by A.
Protein change: p.Glu764Lys; replaces glutamic acid 764 with lysine.
Molecular consequence: missense variant.
Genome position (GRCh38, 1-based): chr20:10,644,917, C>T on the plus strand (G>A on the coding strand, the complement: JAG1 is on the minus strand). VCF-style: chr20-10644917-C-T. GRCh37 (hg19) VCF-style: chr20-10625565-C-T.
Other names: short protein forms E764K.
Identifiers: ClinVar variation 1789106 (VCV001789106.3), dbSNP rs1017323234, ClinGen allele CA311345348.